The following is an entry in ClinVar:

NM_024496.4(IRF2BPL):c.367C>T (p.Gln123Ter)

Gene: IRF2BPL (interferon regulatory factor 2 binding protein like; minus strand). Cytogenetic location: 14q24.3.
Variant type: single nucleotide variant.
Coding change: c.367C>T on transcript NM_024496.4 (MANE Select); coding-DNA position 367, C replaced by T.
Protein change: p.Gln123Ter; replaces glutamine 123 with a stop codon.
Molecular consequence: nonsense.
Genome position (GRCh38, 1-based): chr14:77,027,426, G>A on the plus strand (C>T on the coding strand, the complement: IRF2BPL is on the minus strand). VCF-style: chr14-77027426-G-A. GRCh37 (hg19) VCF-style: chr14-77493769-G-A.
Other names: short protein forms Q123*.
Identifiers: ClinVar variation 3901215 (VCV003901215.1).
Genomic context (GRCh38, chr14:77,027,426, plus strand): 5'-GGGCCGCCAGCACCGCAGGCTTGCTGGAACCATCAACGTGGTTGAGCTGTTGTTGCTGCT[G>A]CTGCTGCTGCTGCTGCTGCTGCTGTTGCTGCTGCTGCTGCTGCTGTTGCTGTTGCTGTTG-3'

ClinVar aggregate classification (germline): Pathogenic (1 of 4 stars; one submission).

Conditions:
Neurodevelopmental disorder with regression, abnormal movements, loss of speech, and seizures. Identifiers: Orphanet 597623, MedGen C4748127, MONDO:0060759, OMIM 618088.

Submission:

Institute of Human Genetics, University of Leipzig Medical Center
Classification: Pathogenic for Neurodevelopmental disorder with regression, abnormal movements, loss of speech, and seizures. Last evaluated: 2025-04-10. Review status: criteria provided, single submitter. Criteria: ACMG Guidelines, 2015. Collection method: clinical testing. Allele origin: unknown. Inheritance: Autosomal dominant inheritance. Affected: yes.
Comment: Criteria applied: PVS1,PM2,PS4_SUP